The following is an entry in ClinVar:

NM_006767.4(LZTR1):c.2033G>A (p.Arg678Gln)

Gene: LZTR1 (leucine zipper like post translational regulator 1; plus strand). Cytogenetic location: 22q11.21.
Variant type: single nucleotide variant.
Coding change: c.2033G>A on transcript NM_006767.4 (MANE Select); coding-DNA position 2033, G replaced by A.
Protein change: p.Arg678Gln; replaces arginine 678 with glutamine.
Molecular consequence: missense variant.
Genome position (GRCh38, 1-based): chr22:20,995,836, G>A. VCF-style: chr22-20995836-G-A. GRCh37 (hg19) VCF-style: chr22-21350125-G-A.
Other names: short protein forms R678Q.
Identifiers: ClinVar variation 1397848 (VCV001397848.12), dbSNP rs752699291, ClinGen allele CA10119204.

ClinVar aggregate classification (germline): Uncertain significance. Review status: criteria provided, multiple submitters, no conflicts (2 of 4 stars). 5 submissions from 5 submitters: Uncertain significance (5). Last evaluated 2026-01-19.

Conditions:
LZTR1-related schwannomatosis. Also called: Schwannomatosis-2, susceptibility to; Schwannomatosis 2. Identifiers: Orphanet 93921, MedGen C3810283, MONDO:0014299, OMIM 615670.
Hereditary cancer-predisposing syndrome. Also called: Hereditary Cancer Syndrome; Hereditary neoplastic syndrome; Tumor predisposition; Neoplastic Syndromes, Hereditary. Identifiers: Orphanet 140162, MedGen C0027672, MeSH D009386, MONDO:0015356.
Cardiovascular phenotype. Identifiers: MedGen CN230736.
Hereditary cancer. Identifiers: MedGen C1333600.

Allele frequency attached by ClinVar (database versions not stated): gnomAD 0.00001; gnomAD exomes 0.00001 and 0.00002; TOPMed 0.00001; ExAC 0.00002.
gnomAD v4.1: 16 of 1,613,068 alleles (0.00099%); highest among the groups gnomAD compares: East Asian, 0.0067%; no homozygotes.

Submissions (5):

Women's Health and Genetics/Laboratory Corporation of America, LabCorp
Classification: Uncertain significance. Last evaluated: 2026-01-19. Review status: criteria provided, single submitter. Criteria: LabCorp Variant Classification Summary - May 2015. Collection method: clinical testing. Allele origin: germline.

Labcorp Genetics (formerly Invitae), Labcorp
Classification: Uncertain significance. Last evaluated: 2025-11-09. Review status: criteria provided, single submitter. Criteria: Invitae Variant Classification Sherloc (09022015). Collection method: clinical testing. Allele origin: germline.
Comment: This sequence change replaces arginine, which is basic and polar, with glutamine, which is neutral and polar, at codon 678 of the LZTR1 protein (p.Arg678Gln). This variant is present in population databases (rs752699291, gnomAD 0.02%). This variant has not been reported in the literature in individuals affected with LZTR1-related conditions. ClinVar contains an entry for this variant (Variation ID: 1397848). Invitae Evidence Modeling of protein sequence and biophysical properties (such as structural, functional, and spatial information, amino acid conservation, physicochemical variation, residue mobility, and thermodynamic stability) indicates that this missense variant is not expected to disrupt LZTR1 protein function with a negative predictive value of 80%. In summary, the available evidence is currently insufficient to determine the role of this variant in disease. Therefore, it has been classified as a Variant of Uncertain Significance.

Ambry Genetics
Classification: Uncertain significance for Cardiovascular phenotype; Hereditary cancer-predisposing syndrome. Last evaluated: 2025-09-04. Review status: criteria provided, single submitter. Criteria: Ambry Variant Classification Scheme 2023. Collection method: clinical testing. Allele origin: germline.
Comment: The p.R678Q variant (also known as c.2033G>A), located in coding exon 17 of the LZTR1 gene, results from a G to A substitution at nucleotide position 2033. The arginine at codon 678 is replaced by glutamine, an amino acid with highly similar properties. This amino acid position is highly conserved in available vertebrate species. In addition, the in silico prediction for this alteration is inconclusive. Since supporting evidence is limited at this time, the clinical significance of this alteration remains unclear.

Mendelics
Classification: Uncertain significance for Hereditary cancer. Last evaluated: 2025-06-23. Review status: criteria provided, single submitter. Criteria: ACMG Guidelines, 2015. Collection method: clinical testing. Allele origin: unknown.
Comment: The available evidence is insufficient to conclusively determine the role of this variant. Therefore, it is classified as a Variant of Uncertain Significance.

Baylor Genetics
Classification: Uncertain significance for LZTR1-related schwannomatosis. Last evaluated: 2023-11-16. Review status: criteria provided, single submitter. Criteria: ACMG Guidelines, 2015. Collection method: clinical testing. Allele origin: unknown.